The following is an entry in ClinVar:

NM_001018005.2(TPM1):c.492+3C>G

Gene: TPM1 (tropomyosin 1; plus strand). Cytogenetic location: 15q22.2.
Variant type: single nucleotide variant.
Coding change: c.492+3C>G on transcript NM_001018005.2 (MANE Select); 3 bases into the intron after coding-DNA position 492, C replaced by G.
Molecular consequence: intron variant.
Genome position (GRCh38, 1-based): chr15:63,059,683, C>G. VCF-style: chr15-63059683-C-G. GRCh37 (hg19) VCF-style: chr15-63351882-C-G.
Other names: c.618+3C>G (NM_001365778.1); c.492+3C>G (NM_001018020.2, NM_001018007.2, NM_001018006.2 and 6 more transcripts); c.384+3C>G (NM_001330351.2, NM_001330344.2, NM_001018008.2 and 5 more transcripts).
Identifiers: ClinVar variation 1461624 (VCV001461624.6), dbSNP rs1225074580, ClinGen allele CA714715215.
Genomic context (GRCh38, chr15:63,059,683, plus strand): 5'-GATCCAACTGAAAGAGGCCAAGCACATTGCTGAAGATGCCGACCGCAAATATGAAGAGGT[C>G]AGATCCTGGGGCCCAAAGCCTTGTGGACACCCAGCAGTGGCCTTCAGGAAGCCAGGGAGC-3'

ClinVar aggregate classification (germline): Uncertain significance (1 of 4 stars; one submission).

Conditions:
Hypertrophic cardiomyopathy. Also called: HYPERTROPHIC MYOCARDIOPATHY. Identifiers: Orphanet 217569, MedGen C0007194, MeSH D002312, MONDO:0005045, HP:0001639.

Allele frequency attached by ClinVar (database versions not stated): TOPMed below 0.00001.

Submission:

Labcorp Genetics (formerly Invitae), Labcorp
Classification: Uncertain significance for Hypertrophic cardiomyopathy. Last evaluated: 2021-09-14. Review status: criteria provided, single submitter. Criteria: Invitae Variant Classification Sherloc (09022015). Collection method: clinical testing. Allele origin: germline.
Comment: This variant is not present in population databases (ExAC no frequency). This variant has not been reported in the literature in individuals affected with TPM1-related conditions. Variants that disrupt the consensus splice site are a relatively common cause of aberrant splicing (PMID: 17576681, 9536098). Algorithms developed to predict the effect of sequence changes on RNA splicing suggest that this variant is not likely to affect RNA splicing. In summary, the available evidence is currently insufficient to determine the role of this variant in disease. Therefore, it has been classified as a Variant of Uncertain Significance. This sequence change falls in intron 4 of the TPM1 gene. It does not directly change the encoded amino acid sequence of the TPM1 protein. It affects a nucleotide within the consensus splice site of the intron.

Literature cited by the submitters: PubMed 17576681; PubMed 9536098.